The following is an entry in ClinVar:

NM_005431.2(XRCC2):c.242T>C (p.Ile81Thr)

Gene: XRCC2 (X-ray repair cross complementing 2; minus strand). Cytogenetic location: 7q36.1.
Variant type: single nucleotide variant.
Coding change: c.242T>C on transcript NM_005431.2 (MANE Select); coding-DNA position 242, T replaced by C.
Protein change: p.Ile81Thr; replaces isoleucine 81 with threonine.
Molecular consequence: missense variant.
Genome position (GRCh38, 1-based): chr7:152,649,243, A>G on the plus strand (T>C on the coding strand, the complement: XRCC2 is on the minus strand). VCF-style: chr7-152649243-A-G. GRCh37 (hg19) VCF-style: chr7-152346328-A-G.
Other names: short protein forms I81T.
Identifiers: ClinVar variation 240160 (VCV000240160.11), dbSNP rs878854772, ClinGen allele CA10582475.
Genomic context (GRCh38, chr7:152,649,243, plus strand): 5'-GATAGTCTGTGCTCAAGAATTGTAACTAGCCGGAGCATATCAAAGTGGTAATCTGTATCA[A>G]TAAATAAGACTTCTACTTCCAGGCCACCTTCTGATTTGGGAAGTATACATCGTGCTGTTA-3'
Protein context (NP_005422.1, residues 71-91): EGGLEVEVLF[Ile81Thr]DTDYHFDMLR

ClinVar aggregate classification (germline): Uncertain significance. Review status: criteria provided, multiple submitters, no conflicts (2 of 4 stars). 2 submissions from 2 submitters: Uncertain significance (2). Last evaluated 2025-06-13.

Conditions:
Hereditary cancer-predisposing syndrome. Also called: Neoplastic Syndromes, Hereditary; Hereditary neoplastic syndrome; Tumor predisposition; Hereditary Cancer Syndrome. Identifiers: Orphanet 140162, MedGen C0027672, MeSH D009386, MONDO:0015356.

Allele frequency attached by ClinVar (database versions not stated): gnomAD exomes below 0.00001.
gnomAD v4.1: 1 of 1,613,920 alleles (0.000062%); highest among the groups gnomAD compares: Admixed American, 0.0017%; no homozygotes.

Submissions (2):

Ambry Genetics
Classification: Uncertain significance for Hereditary cancer-predisposing syndrome. Last evaluated: 2025-06-13. Review status: criteria provided, single submitter. Criteria: Ambry Variant Classification Scheme 2023. Collection method: clinical testing. Allele origin: germline.
Comment: The p.I81T variant (also known as c.242T>C), located in coding exon 3 of the XRCC2 gene, results from a T to C substitution at nucleotide position 242. The isoleucine at codon 81 is replaced by threonine, an amino acid with similar properties. This amino acid position is conserved. In addition, the in silico prediction for this alteration is inconclusive. Based on the available evidence, the clinical significance of this variant remains unclear.

Labcorp Genetics (formerly Invitae), Labcorp
Classification: Uncertain significance. Last evaluated: 2019-09-10. Review status: criteria provided, single submitter. Criteria: Invitae Variant Classification Sherloc (09022015). Collection method: clinical testing. Allele origin: germline.
Comment: This variant is not present in population databases (ExAC no frequency). In summary, the available evidence is currently insufficient to determine the role of this variant in disease. Therefore, it has been classified as a Variant of Uncertain Significance. Algorithms developed to predict the effect of missense changes on protein structure and function (SIFT, PolyPhen-2, Align-GVGD) all suggest that this variant is likely to be disruptive, but these predictions have not been confirmed by published functional studies and their clinical significance is uncertain. This variant has not been reported in the literature in individuals with XRCC2-related conditions. ClinVar contains an entry for this variant (Variation ID: 240160). This sequence change replaces isoleucine with threonine at codon 81 of the XRCC2 protein (p.Ile81Thr). The isoleucine residue is highly conserved and there is a moderate physicochemical difference between isoleucine and threonine.